The following is an entry in ClinVar:

NM_001009999.3(KDM1A):c.1798G>C (p.Val600Leu)

Gene: KDM1A (lysine demethylase 1A; plus strand). Cytogenetic location: 1p36.12.
Variant type: single nucleotide variant.
Coding change: c.1798G>C on transcript NM_001009999.3 (MANE Select); coding-DNA position 1798, G replaced by C.
Protein change: p.Val600Leu; replaces valine 600 with leucine.
Molecular consequence: missense variant.
Genome position (GRCh38, 1-based): chr1:23,077,291, G>C. VCF-style: chr1-23077291-G-C. GRCh37 (hg19) VCF-style: chr1-23403784-G-C.
Other names: c.1744G>C, p.Val582Leu (NM_001363654.2); c.1804G>C, p.Val602Leu (NM_001410762.1); c.1726G>C, p.Val576Leu (NM_001410763.1, NM_015013.4); short protein forms V576L, V582L, V602L, V600L.
Identifiers: ClinVar variation 4622695 (VCV004622695.1).

ClinVar aggregate classification (germline): Uncertain significance (1 of 4 stars; one submission).

Conditions:
Inborn genetic diseases. Identifiers: MedGen C0950123, MeSH D030342.

gnomAD v4.1: 2 of 1,614,124 alleles (0.00012%); highest among the groups gnomAD compares: Non-Finnish European, 0.00017%; no homozygotes.

Submission:

Ambry Genetics
Classification: Uncertain significance for Inborn genetic diseases. Last evaluated: 2025-11-01. Review status: criteria provided, single submitter. Criteria: Ambry Variant Classification Scheme 2023. Collection method: clinical testing. Allele origin: germline.
Comment: The p.V600L variant (also known as c.1798G>C), located in coding exon 16 of the KDM1A gene, results from a G to C substitution at nucleotide position 1798. The valine at codon 600 is replaced by leucine, an amino acid with highly similar properties. This amino acid position is conserved. In addition, this alteration is predicted to be tolerated by in silico analysis. Based on the available evidence, the clinical significance of this variant remains unclear.